The following is an entry in ClinVar:

ClinVar aggregate classification (germline): Uncertain significance. Review status: criteria provided, multiple submitters, no conflicts (2 of 4 stars). 7 submissions from 5 submitters: Uncertain significance (7). Last evaluated 2025-12-21.

Conditions:
Cardiovascular phenotype. Identifiers: MedGen CN230736.
Cardiomyopathy, familial restrictive, 3. Identifiers: Orphanet 75249, MedGen C2676271, MONDO:0012900, OMIM 612422.
Dilated cardiomyopathy 1D. Identifiers: Orphanet 154, Orphanet 54260, MedGen C1832243, MONDO:0011095, OMIM 601494.
Hypertrophic cardiomyopathy 2. Also called: TNNT2-Related Familial Hypertrophic Cardiomyopathy. Identifiers: MedGen C1861864, MONDO:0007266, OMIM 115195.

Allele frequency attached by ClinVar (database versions not stated): gnomAD exomes below 0.00001 and 0.00001; TOPMed below 0.00001; gnomAD 0.00001.
gnomAD v4.1: 4 of 1,612,906 alleles (0.00025%); highest among the groups gnomAD compares: Non-Finnish European, 0.00025%; no homozygotes.

Submissions (7):

Labcorp Genetics (formerly Invitae), Labcorp
Classification: Uncertain significance for Cardiomyopathy, familial restrictive, 3; Hypertrophic cardiomyopathy 2; Dilated cardiomyopathy 1D. Last evaluated: 2025-12-21. Review status: criteria provided, single submitter. Criteria: Invitae Variant Classification Sherloc (09022015). Collection method: clinical testing. Allele origin: germline.
Comment: This sequence change replaces arginine, which is basic and polar, with glutamine, which is neutral and polar, at codon 148 of the TNNT2 protein (p.Arg148Gln). The frequency data for this variant in the population databases is considered unreliable, as metrics indicate poor data quality at this position in the gnomAD database. This variant has not been reported in the literature in individuals affected with TNNT2-related conditions. This variant is also known as R158Q. ClinVar contains an entry for this variant (Variation ID: 181618). Invitae Evidence Modeling of protein sequence and biophysical properties (such as structural, functional, and spatial information, amino acid conservation, physicochemical variation, residue mobility, and thermodynamic stability) has been performed for this missense variant. However, the output from this modeling did not meet the statistical confidence thresholds required to predict the impact of this variant on TNNT2 protein function. Experimental studies have shown that this missense change affects TNNT2 function (PMID: 30565988). In summary, the available evidence is currently insufficient to determine the role of this variant in disease. Therefore, it has been classified as a Variant of Uncertain Significance.

Ambry Genetics
Classification: Uncertain significance for Cardiovascular phenotype. Last evaluated: 2025-05-13. Review status: criteria provided, single submitter. Criteria: Ambry Variant Classification Scheme 2023. Collection method: clinical testing. Allele origin: germline.
Comment: The p.R148Q variant (also known as c.443G>A), located in coding exon 9 of the TNNT2 gene, results from a G to A substitution at nucleotide position 443. The arginine at codon 148 is replaced by glutamine, an amino acid with highly similar properties. This variant was reported in individual(s) with features consistent with dilated cardiomyopathy (DCM) (Ware SM et al. Am J Hum Genet, 2022 Feb;109:282-298; Ambry internal data). This amino acid position is highly conserved in available vertebrate species. In addition, this alteration is predicted to be deleterious by in silico analysis. Based on the available evidence, the clinical significance of this variant remains unclear.

Genome-Nilou Lab
Classification: Uncertain significance for Dilated cardiomyopathy 1D. Last evaluated: 2023-04-11. Review status: criteria provided, single submitter. Criteria: ACMG Guidelines, 2015. Collection method: clinical testing. Allele origin: germline. Affected: no.

Genome-Nilou Lab
Classification: Uncertain significance for Cardiomyopathy, familial restrictive, 3. Last evaluated: 2023-04-11. Review status: criteria provided, single submitter. Criteria: ACMG Guidelines, 2015. Collection method: clinical testing. Allele origin: germline. Affected: no.

Genome-Nilou Lab
Classification: Uncertain significance for Hypertrophic cardiomyopathy 2. Last evaluated: 2023-04-11. Review status: criteria provided, single submitter. Criteria: ACMG Guidelines, 2015. Collection method: clinical testing. Allele origin: germline. Affected: no.

GeneDx
Classification: Uncertain significance. Last evaluated: 2022-12-20. Review status: criteria provided, single submitter. Criteria: GeneDx Variant Classification Process June 2021. Collection method: clinical testing. Allele origin: germline. Affected: yes.
Comment: Not observed at significant frequency in large population cohorts (gnomAD); In silico analysis supports that this missense variant has a deleterious effect on protein structure/function; This variant is associated with the following publications: (PMID: 30565988, 31006259)

Fulgent Genetics
Classification: Uncertain significance for Hypertrophic cardiomyopathy 2; Dilated cardiomyopathy 1D; Cardiomyopathy, familial restrictive, 3. Last evaluated: 2021-08-17. Review status: criteria provided, single submitter. Criteria: ACMG Guidelines, 2015. Collection method: clinical testing. Allele origin: unknown.

Literature cited by the submitters: PubMed 30565988 (cited by Labcorp Genetics (formerly Invitae), Labcorp); PubMed 31006259 (cited by Ambry Genetics); PubMed 35026164 (cited by Ambry Genetics).

NM_001276345.2(TNNT2):c.473G>A (p.Arg158Gln)

Gene: TNNT2 (troponin T2, cardiac type; minus strand). Cytogenetic location: 1q32.1.
Variant type: single nucleotide variant.
Coding change: c.473G>A on transcript NM_001276345.2 (MANE Select); coding-DNA position 473, G replaced by A.
Protein change: p.Arg158Gln; replaces arginine 158 with glutamine.
Molecular consequence: missense variant.
Genome position (GRCh38, 1-based): chr1:201,364,314, C>T on the plus strand (G>A on the coding strand, the complement: TNNT2 is on the minus strand). VCF-style: chr1-201364314-C-T. GRCh37 (hg19) VCF-style: chr1-201333442-C-T.
Other names: p.R148Q:CGG>CAG; c.443G>A, p.Arg148Gln (NM_001001430.3, NM_001001431.3, NM_001276347.2); c.473G>A, p.Arg158Gln (NM_000364.4); c.428G>A, p.Arg143Gln (NM_001001432.3); c.353G>A, p.Arg118Gln (NM_001276346.2); short protein forms R148Q, R158Q, R118Q, R143Q.
Identifiers: ClinVar variation 181618 (VCV000181618.20), dbSNP rs730881102, ClinGen allele CA004570.
Genomic context (GRCh38, chr1:201,364,314, plus strand): 5'-GGAGCATGGGGGGCCTCCATGGGCCTGGGCTAGGGGTCACTCACAGCCAGGCGGTTCTGC[C>T]GCTCCTTCTCCCGCTCATTCCGGATGCGCTGCTGCTCGGCCCGCTCTGCCCGACGTCTCT-3'
Protein context (NP_001263274.1, residues 148-168): QRIRNEREKE[Arg158Gln]QNRLAEERAR